The following is an entry in ClinVar:

NM_025137.4(SPG11):c.6561G>A (p.Val2187=)

Gene: SPG11 (SPG11 vesicle trafficking associated, spatacsin; minus strand). Cytogenetic location: 15q21.1.
Variant type: single nucleotide variant.
Coding change: c.6561G>A on transcript NM_025137.4 (MANE Select); coding-DNA position 6561, G replaced by A.
Protein change: p.Val2187=; no amino-acid change (valine 2187 retained).
Molecular consequence: synonymous variant.
Genome position (GRCh38, 1-based): chr15:44,569,422, C>T on the plus strand (G>A on the coding strand, the complement: SPG11 is on the minus strand). VCF-style: chr15-44569422-C-T. GRCh37 (hg19) VCF-style: chr15-44861620-C-T.
Other names: c.6222G>A, p.Val2074= (NM_001160227.2).
Identifiers: ClinVar variation 695790 (VCV000695790.15), dbSNP rs376951822, ClinGen allele CA7534081.

ClinVar aggregate classification (germline): Conflicting classifications of pathogenicity. Review status: criteria provided, conflicting classifications (1 of 4 stars). 3 submissions from 3 submitters: Uncertain significance (1); Likely benign (2). Last evaluated 2026-03-01.

Conditions:
Hereditary spastic paraplegia 11. Also called: Spastic paraplegia, mental retardation and thin corpus callosum; Spastic Paraplegia 11; SPASTIC PARAPLEGIA, AUTOSOMAL RECESSIVE, COMPLICATED, WITH THIN CORPUS CALLOSUM; SPASTIC PARAPLEGIA, AUTOSOMAL RECESSIVE, WITH MENTAL IMPAIRMENT AND THIN CORPUS CALLOSUM; Nakamura Osame syndrome; Autosomal recessive hereditary spastic paraplegia, mental impairment, and thin corpus callosum. Identifiers: Orphanet 2822, MedGen C1858479, MONDO:0011445, OMIM 604360.

Allele frequency attached by ClinVar (database versions not stated): gnomAD exomes 0.00001 and 0.00005; gnomAD 0.00002; TOPMed 0.00003; ExAC 0.00005; ESP Exome Variant Server 0.00008.
gnomAD v4.1: 73 of 1,605,144 alleles (0.0045%); highest among the groups gnomAD compares: Non-Finnish European, 0.006%; no homozygotes.

Submissions (3):

CeGaT Center for Human Genetics Tuebingen
Classification: Uncertain significance. Last evaluated: 2026-03-01. Review status: criteria provided, single submitter. Criteria: CeGaT Center For Human Genetics Tuebingen Variant Classification Criteria Version 2. Collection method: clinical testing. Allele origin: germline. Affected: yes. Observed: 1 variant allele.
Comment: SPG11: PM2, BP4

Labcorp Genetics (formerly Invitae), Labcorp
Classification: Likely benign for Hereditary spastic paraplegia 11. Last evaluated: 2025-09-17. Review status: criteria provided, single submitter. Criteria: Invitae Variant Classification Sherloc (09022015). Collection method: clinical testing. Allele origin: germline.

Blueprint Genetics
Classification: Likely benign. Last evaluated: 2024-02-07. Review status: criteria provided, single submitter. Criteria: ACMG Guidelines, 2015. Collection method: clinical testing. Allele origin: germline.